The following is an entry in ClinVar:

NM_000135.4(FANCA):c.49_61del (p.Gly17fs)

Genes: FANCA (FA complementation group A; minus strand), LOC112486223 (Sharpr-MPRA regulatory region 3988; plus strand). Cytogenetic location: 16q24.3.
Variant type: Deletion.
Coding change: c.49_61del on transcript NM_000135.4 (MANE Select); coding-DNA positions 49 to 61, 13 bases deleted (GGCCGCCGGAGGG).
Protein change: p.Gly17fs; shifts the reading frame from glycine 17.
Molecular consequence: frameshift variant.
Genome position (GRCh38, 1-based): chr16:89,816,555-89,816,567, CCCTCCGGCGGCC deleted on the plus strand (GGCCGCCGGAGGG on the coding strand, the reverse complement: FANCA is on the minus strand); deleting any 13 consecutive bases within chr16:89,816,555-89,816,571 gives the same sequence; the c. name uses the placement nearest the transcript's 3' end. VCF-style (leftmost placement, unchanged base first): chr16-89816554-GCCCTCCGGCGGCC-G. GRCh37 (hg19) VCF-style: chr16-89882962-GCCCTCCGGCGGCC-G.
Other names: c.49_61del, p.Gly17fs (NM_001018112.3, NM_001286167.3, NM_001351830.2); short protein forms G17fs.
Identifiers: ClinVar variation 3699515 (VCV003699515.2).

ClinVar aggregate classification (germline): Pathogenic (1 of 4 stars; one submission).

Conditions:
Fanconi anemia (FA). Also called: Fanconi's anemia. Identifiers: Orphanet 84, MedGen C0015625, MeSH D005199, MONDO:0019391.

Submission:

Labcorp Genetics (formerly Invitae), Labcorp
Classification: Pathogenic for Fanconi anemia. Last evaluated: 2024-05-14. Review status: criteria provided, single submitter. Criteria: Invitae Variant Classification Sherloc (09022015). Collection method: clinical testing. Allele origin: germline.
Comment: This sequence change creates a premature translational stop signal (p.Gly17Profs*23) in the FANCA gene. It is expected to result in an absent or disrupted protein product. Loss-of-function variants in FANCA are known to be pathogenic (PMID: 19367192). This variant is not present in population databases (gnomAD no frequency). This variant has not been reported in the literature in individuals affected with FANCA-related conditions. For these reasons, this variant has been classified as Pathogenic.

Literature cited by the submitters: PubMed 19367192.